The following is an entry in ClinVar:

NM_001367561.1(DOCK7):c.3803G>A (p.Arg1268Lys)

Gene: DOCK7 (dedicator of cytokinesis 7; minus strand). Cytogenetic location: 1p31.3.
Variant type: single nucleotide variant.
Coding change: c.3803G>A on transcript NM_001367561.1 (MANE Select); coding-DNA position 3803, G replaced by A.
Protein change: p.Arg1268Lys; replaces arginine 1268 with lysine.
Molecular consequence: missense variant.
Genome position (GRCh38, 1-based): chr1:62,528,284, C>T on the plus strand (G>A on the coding strand, the complement: DOCK7 is on the minus strand). VCF-style: chr1-62528284-C-T. GRCh37 (hg19) VCF-style: chr1-62993955-C-T.
Other names: c.3710G>A (NM_033407.2); c.3803G>A, p.Arg1268Lys (NM_001271999.2, NM_001330614.2); c.3710G>A, p.Arg1237Lys (NM_001272000.2, NM_001272001.2, NM_033407.4); short protein forms R1268K, R1237K.
Identifiers: ClinVar variation 649572 (VCV000649572.8), dbSNP rs757564314, ClinGen allele CA885874.
Genomic context (GRCh38, chr1:62,528,284, plus strand): 5'-GTCTGGCTTATCATACTTCCGCTCTCACTTTCATAATCATCAGTGGCTATACAAATTGGT[C>T]TTCCTCGTTGATTGTGAGTTTCTAAAGAAAAATAATCCAAAAAAATAAATAAAACTGTTT-3'
Protein context (NP_001354490.1, residues 1258-1278): DFTETHNQRG[Arg1268Lys]PICIATDDYE

ClinVar aggregate classification (germline): Uncertain significance. Review status: criteria provided, multiple submitters, no conflicts (2 of 4 stars). 2 submissions from 2 submitters: Uncertain significance (2). Last evaluated 2026-01-19.

Conditions:
Developmental and epileptic encephalopathy, 23 (DEE23). Also called: Epileptic encephalopathy, early infantile, 23. Identifiers: Orphanet 411986, MedGen C4014492, MONDO:0014371, OMIM 615859.
Inborn genetic diseases. Identifiers: MedGen C0950123, MeSH D030342.

Allele frequency attached by ClinVar (database versions not stated): gnomAD 0.00001; gnomAD exomes 0.00001 and 0.00003; ExAC 0.00002; TOPMed 0.00002.
gnomAD v4.1: 12 of 1,611,764 alleles (0.00074%); highest among the groups gnomAD compares: Admixed American, 0.017%; no homozygotes.

Submissions (2):

Labcorp Genetics (formerly Invitae), Labcorp
Classification: Uncertain significance for Developmental and epileptic encephalopathy, 23. Last evaluated: 2026-01-19. Review status: criteria provided, single submitter. Criteria: Invitae Variant Classification Sherloc (09022015). Collection method: clinical testing. Allele origin: germline.
Comment: This sequence change replaces arginine, which is basic and polar, with lysine, which is basic and polar, at codon 1268 of the DOCK7 protein (p.Arg1268Lys). This variant is present in population databases (rs757564314, gnomAD 0.02%). This variant has not been reported in the literature in individuals affected with DOCK7-related conditions. ClinVar contains an entry for this variant (Variation ID: 649572). Invitae Evidence Modeling of protein sequence and biophysical properties (such as structural, functional, and spatial information, amino acid conservation, physicochemical variation, residue mobility, and thermodynamic stability) indicates that this missense variant is not expected to disrupt DOCK7 protein function with a negative predictive value of 80%. In summary, the available evidence is currently insufficient to determine the role of this variant in disease. Therefore, it has been classified as a Variant of Uncertain Significance.

Ambry Genetics
Classification: Uncertain significance for Inborn genetic diseases. Last evaluated: 2024-01-04. Review status: criteria provided, single submitter. Criteria: Ambry Variant Classification Scheme 2023. Collection method: clinical testing. Allele origin: germline.